The following is an entry in ClinVar:

ClinVar aggregate classification (germline): Pathogenic (1 of 4 stars; one submission).

Conditions:
Hereditary cancer-predisposing syndrome. Also called: Neoplastic Syndromes, Hereditary; Tumor predisposition; Hereditary neoplastic syndrome; Hereditary Cancer Syndrome. Identifiers: Orphanet 140162, MedGen C0027672, MeSH D009386, MONDO:0015356.

Submission:

Ambry Genetics
Classification: Pathogenic for Hereditary cancer-predisposing syndrome. Last evaluated: 2023-10-20. Review status: criteria provided, single submitter. Criteria: Ambry Variant Classification Scheme 2023. Collection method: clinical testing. Allele origin: germline.
Comment: The c.2990_2991delTT pathogenic mutation, located in coding exon 18 of the DICER1 gene, results from a deletion of two nucleotides at nucleotide positions 2990 to 2991, causing a translational frameshift with a predicted alternate stop codon (p.L997Qfs*21). This variant is considered to be rare based on population cohorts in the Genome Aggregation Database (gnomAD). This alteration is expected to result in loss of function by premature protein truncation or nonsense-mediated mRNA decay. As such, this alteration is interpreted as a disease-causing mutation.

NM_177438.3(DICER1):c.2990_2991del (p.Leu997fs)

Gene: DICER1 (dicer 1, ribonuclease III; minus strand). Cytogenetic location: 14q32.13.
Variant type: Deletion.
Coding change: c.2990_2991del on transcript NM_177438.3 (MANE Select); coding-DNA positions 2990 to 2991, 2 bases deleted (TT; older notation c.2990_2991delTT).
Protein change: p.Leu997fs; shifts the reading frame from leucine 997.
Molecular consequence: frameshift variant. On other transcripts: non-coding transcript variant (6).
Genome position (GRCh38, 1-based): chr14:95,105,780-95,105,781, AA deleted on the plus strand (TT on the coding strand, the reverse complement: DICER1 is on the minus strand). VCF-style (leftmost placement, unchanged base first): chr14-95105779-TAA-T. GRCh37 (hg19) VCF-style: chr14-95572116-TAA-T.
Other names: c.2990_2991del, p.Leu997fs (NM_001195573.1, NM_001271282.3, NM_001291628.2 and 12 more transcripts); c.2990_2991delTT, p.Leu997Glnfs (NM_001395681.1); c.2708_2709del, p.Leu903fs (NM_001395686.1); c.2585_2586del, p.Leu862fs (NM_001395687.1, NM_001395688.1, NM_001395689.1 and 2 more transcripts); c.2423_2424del, p.Leu808fs (NM_001395691.1); c.1307_1308del, p.Leu436fs (NM_001395697.1); short protein forms L436fs, L808fs, L862fs, L903fs, L997fs.
Identifiers: ClinVar variation 3229354 (VCV003229354.1), dbSNP rs2542776151, ClinGen allele CA2825002254.